The following is an entry in ClinVar:

ClinVar aggregate classification (germline): Pathogenic (1 of 4 stars; one submission).

Conditions:
Ellis-van Creveld syndrome (EVC). Also called: EVC-Related Ellis-van Creveld Syndrome; EVC2-Related Ellis-van Creveld Syndrome; MESOECTODERMAL DYSPLASIA; Chondroectodermal dysplasia. Identifiers: Orphanet 289, MedGen C0013903, MONDO:0009162, OMIM 225500.
Curry-Hall syndrome (WAD). Also called: WEYERS ACRODENTAL DYSOSTOSIS. Identifiers: Orphanet 952, MedGen C0457013, MONDO:0008673, OMIM 193530.

Allele frequency attached by ClinVar (database versions not stated): gnomAD exomes below 0.00001; ExAC 0.00001.
gnomAD v4.1: 2 of 1,614,210 alleles (0.00012%); highest among the groups gnomAD compares: South Asian, 0.0011%; no homozygotes.

Submission:

Labcorp Genetics (formerly Invitae), Labcorp
Classification: Pathogenic for Curry-Hall syndrome; Ellis-van Creveld syndrome. Last evaluated: 2023-11-06. Review status: criteria provided, single submitter. Criteria: Invitae Variant Classification Sherloc (09022015). Collection method: clinical testing. Allele origin: germline.
Comment: This sequence change creates a premature translational stop signal (p.Gln264*) in the EVC2 gene. It is expected to result in an absent or disrupted protein product. Loss-of-function variants in EVC2 are known to be pathogenic (PMID: 17024374, 19810119, 19876929). This variant is present in population databases (rs760459672, gnomAD 0.003%). This variant has not been reported in the literature in individuals affected with EVC2-related conditions. For these reasons, this variant has been classified as Pathogenic.

Literature cited by the submitters: PubMed 17024374; PubMed 19810119; PubMed 19876929.

NM_147127.5(EVC2):c.790C>T (p.Gln264Ter)

Gene: EVC2 (EvC ciliary complex subunit 2; minus strand). Cytogenetic location: 4p16.2.
Variant type: single nucleotide variant.
Coding change: c.790C>T on transcript NM_147127.5 (MANE Select); coding-DNA position 790, C replaced by T.
Protein change: p.Gln264Ter; replaces glutamine 264 with a stop codon.
Molecular consequence: nonsense.
Genome position (GRCh38, 1-based): chr4:5,685,396, G>A on the plus strand (C>T on the coding strand, the complement: EVC2 is on the minus strand). VCF-style: chr4-5685396-G-A. GRCh37 (hg19) VCF-style: chr4-5687123-G-A.
Other names: c.550C>T, p.Gln184Ter (NM_001166136.2); short protein forms Q184*, Q264*.
Identifiers: ClinVar variation 2953617 (VCV002953617.3), dbSNP rs760459672, ClinGen allele CA2835303.
Genomic context (GRCh38, chr4:5,685,396, plus strand): 5'-GGCAAGACAGAGATTAAAGTAACAAAGGTCATACCCGTGACGAGCTCTGAAAGGTGAGTT[G>A]GGCAGGAAGCTTGAGGCTCTCCCCGTTCCCGAGGTCTCCAGCCTGGAGCGTGGCTGCGTA-3'